The following is an entry in ClinVar:

ClinVar aggregate classification (germline): Uncertain significance (1 of 4 stars; one submission).

Submission:

GeneDx
Classification: Uncertain significance. Last evaluated: 2025-07-21. Review status: criteria provided, single submitter. Criteria: GeneDx Variant Classification Process June 2021. Collection method: clinical testing. Allele origin: germline. Affected: yes.
Comment: Not observed at significant frequency in large population cohorts (gnomAD); In silico analysis suggests that this variant does not alter splicing; Has not been previously published as pathogenic or benign to our knowledge

NM_006941.4(SOX10):c.957G>A (p.Gly319=)

Genes: POLR2F (RNA polymerase II, I and III subunit F; plus strand), SOX10 (SRY-box transcription factor 10; minus strand). Cytogenetic location: 22q13.1.
Variant type: single nucleotide variant.
Coding change: c.957G>A on transcript NM_006941.4 (MANE Select); coding-DNA position 957, G replaced by A.
Protein change: p.Gly319=; no amino-acid change (glycine 319 retained).
Molecular consequence: synonymous variant. On other transcripts: intron variant (3).
Genome position (GRCh38, 1-based): chr22:37,973,939, C>T on the plus strand (G>A on the coding strand, the complement: SOX10 is on the minus strand). VCF-style: chr22-37973939-C-T. GRCh37 (hg19) VCF-style: chr22-38369946-C-T.
Other names: c.*38+1629C>T (NM_001363825.1); c.293+6769C>T (NM_001301130.2, NM_001301131.2).
Identifiers: ClinVar variation 4686846 (VCV004686846.1).